The following is an entry in ClinVar:

NM_206927.4(SYTL2):c.2130A>G (p.Ser710=)

Gene: SYTL2 (synaptotagmin like 2; minus strand). Cytogenetic location: 11q14.1.
Variant type: single nucleotide variant.
Coding change: c.2130A>G on transcript NM_206927.4 (MANE Select); coding-DNA position 2130, A replaced by G.
Protein change: p.Ser710=; no amino-acid change (serine 710 retained).
Molecular consequence: synonymous variant. On other transcripts: intron variant (25).
Genome position (GRCh38, 1-based): chr11:85,727,228, T>C on the plus strand (A>G on the coding strand, the complement: SYTL2 is on the minus strand). VCF-style: chr11-85727228-T-C. GRCh37 (hg19) VCF-style: chr11-85438271-T-C.
Other names: c.2127A>G, p.Ser709= (NM_001394447.1, NM_206928.4); c.2130A>G, p.Ser710= (NM_001394448.1, NM_001394449.1, NM_001394452.1); c.2049A>G, p.Ser683= (NM_001394450.1, NM_001394473.1); c.2046A>G, p.Ser682= (NM_001394451.1); c.1378+668A>G (NM_001394468.1, NM_001394464.1, NM_001394461.1); c.1381+668A>G (NM_001394471.1, NM_001394462.1, NM_001394472.1 and 1 more transcripts); c.1459+668A>G (NM_001394458.1, NM_001394459.1, NM_001394456.1 and 6 more transcripts); c.1462+668A>G (NM_001394453.1, NM_001162953.4, NM_001365826.2 and 1 more transcripts); and 3 more.
Identifiers: ClinVar variation 2642245 (VCV002642245.24), dbSNP rs144944467, ClinGen allele CA6214430.

ClinVar aggregate classification (germline): Likely benign (1 of 4 stars; one submission).

Allele frequency attached by ClinVar (database versions not stated): 1000 Genomes Project 0.00100; 1000 Genomes Project 30x 0.00125; TOPMed 0.00160; ExAC 0.00197; gnomAD 0.00198; gnomAD exomes 0.00267.
gnomAD v4.1: 3,976 of 1,536,240 alleles (0.26%); highest among the groups gnomAD compares: Non-Finnish European, 0.31%; 15 homozygotes.

Submission:

CeGaT Center for Human Genetics Tuebingen
Classification: Likely benign. Last evaluated: 2023-03-01. Review status: criteria provided, single submitter. Criteria: CeGaT Center For Human Genetics Tuebingen Variant Classification Criteria Version 2. Collection method: clinical testing. Allele origin: germline. Affected: yes. Observed: 1 variant allele.
Comment: SYTL2: BP4, BP7, BS2